The following is an entry in ClinVar:

ClinVar aggregate classification (germline): Pathogenic (1 of 4 stars; one submission).

Conditions:
Alagille syndrome due to a JAG1 point mutation. Also called: JAG1-Related Alagille Syndrome; Alagille Syndrome 1; HEPATIC DUCTULAR HYPOPLASIA, SYNDROMATIC. Identifiers: Orphanet 261619, Orphanet 52, MedGen C1956125, MONDO:0016862, OMIM 118450.

Submission:

Labcorp Genetics (formerly Invitae), Labcorp
Classification: Pathogenic for Alagille syndrome due to a JAG1 point mutation. Last evaluated: 2025-09-15. Review status: criteria provided, single submitter. Criteria: Invitae Variant Classification Sherloc (09022015). Collection method: clinical testing. Allele origin: germline.
Comment: This sequence change creates a premature translational stop signal (p.Gln708Leufs*2) in the JAG1 gene. It is expected to result in an absent or disrupted protein product. Loss-of-function variants in JAG1 are known to be pathogenic (PMID: 11180599). This variant is not present in population databases (gnomAD no frequency). This variant has not been reported in the literature in individuals affected with JAG1-related conditions. ClinVar contains an entry for this variant (Variation ID: 1409083). For these reasons, this variant has been classified as Pathogenic.

Literature cited by the submitters: PubMed 11180599.

NM_000214.3(JAG1):c.2123_2124del (p.Gln708fs)

Gene: JAG1 (jagged canonical Notch ligand 1; minus strand). Cytogenetic location: 20p12.2.
Variant type: Deletion.
Coding change: c.2123_2124del on transcript NM_000214.3 (MANE Select); coding-DNA positions 2123 to 2124, 2 bases deleted (AG; older notation c.2123_2124delAG).
Protein change: p.Gln708fs; shifts the reading frame from glutamine 708.
Molecular consequence: frameshift variant.
Genome position (GRCh38, 1-based): chr20:10,645,246-10,645,247, CT deleted on the plus strand (AG on the coding strand, the reverse complement: JAG1 is on the minus strand). VCF-style (leftmost placement, unchanged base first): chr20-10645245-ACT-A. GRCh37 (hg19) VCF-style: chr20-10625893-ACT-A.
Other names: short protein forms Q708fs.
Identifiers: ClinVar variation 1409083 (VCV001409083.6), dbSNP rs2122603085, ClinGen allele CA2573156868.